The following is an entry in ClinVar:

ClinVar aggregate classification (germline): Uncertain significance. Review status: criteria provided, multiple submitters, no conflicts (2 of 4 stars). 2 submissions from 2 submitters: Uncertain significance (2). Last evaluated 2025-11-23.

Conditions:
Hereditary cancer-predisposing syndrome. Also called: Hereditary Cancer Syndrome; Tumor predisposition; Neoplastic Syndromes, Hereditary; Hereditary neoplastic syndrome. Identifiers: Orphanet 140162, MedGen C0027672, MeSH D009386, MONDO:0015356.
Neuroblastoma, susceptibility to, 3. Also called: ALK-Related Neuroblastic Tumor Susceptibility. Identifiers: Orphanet 635, MedGen C2751681, MONDO:0013083, OMIM 613014.

gnomAD v4.1: 1 of 1,614,186 alleles (0.000062%); highest among the groups gnomAD compares: Non-Finnish European, 0.000085%; no homozygotes.

Submissions (2):

Ambry Genetics
Classification: Uncertain significance for Hereditary cancer-predisposing syndrome. Last evaluated: 2025-11-23. Review status: criteria provided, single submitter. Criteria: Ambry Variant Classification Scheme 2023. Collection method: clinical testing. Allele origin: germline.
Comment: The p.A1015S variant (also known as c.3043G>T), located in coding exon 18 of the ALK gene, results from a G to T substitution at nucleotide position 3043. The alanine at codon 1015 is replaced by serine, an amino acid with similar properties. This amino acid position is conserved. In addition, the in silico prediction for this alteration is inconclusive. Since supporting evidence is limited at this time, the clinical significance of this alteration remains unclear.

Labcorp Genetics (formerly Invitae), Labcorp
Classification: Uncertain significance for Neuroblastoma, susceptibility to, 3. Last evaluated: 2025-04-14. Review status: criteria provided, single submitter. Criteria: Invitae Variant Classification Sherloc (09022015). Collection method: clinical testing. Allele origin: germline.
Comment: This sequence change replaces alanine, which is neutral and non-polar, with serine, which is neutral and polar, at codon 1015 of the ALK protein (p.Ala1015Ser). This variant is not present in population databases (gnomAD no frequency). This variant has not been reported in the literature in individuals affected with ALK-related conditions. ClinVar contains an entry for this variant (Variation ID: 651283). An algorithm developed to predict the effect of missense changes on protein structure and function (PolyPhen-2) suggests that this variant is likely to be disruptive. In summary, the available evidence is currently insufficient to determine the role of this variant in disease. Therefore, it has been classified as a Variant of Uncertain Significance.

NM_004304.5(ALK):c.3043G>T (p.Ala1015Ser)

Gene: ALK (ALK receptor tyrosine kinase; minus strand). Cytogenetic location: 2p23.2.
Variant type: single nucleotide variant.
Coding change: c.3043G>T on transcript NM_004304.5 (MANE Select); coding-DNA position 3043, G replaced by T.
Protein change: p.Ala1015Ser; replaces alanine 1015 with serine.
Molecular consequence: missense variant.
Genome position (GRCh38, 1-based): chr2:29,226,946, C>A on the plus strand (G>T on the coding strand, the complement: ALK is on the minus strand). VCF-style: chr2-29226946-C-A. GRCh37 (hg19) VCF-style: chr2-29449812-C-A.
Other names: short protein forms A1015S.
Identifiers: ClinVar variation 651283 (VCV000651283.8), dbSNP rs1263029598, ClinGen allele CA346467575.